The following is an entry in ClinVar:

NM_006904.7(PRKDC):c.1754T>G (p.Ile585Arg)

Gene: PRKDC (protein kinase, DNA-activated, catalytic subunit; minus strand). Cytogenetic location: 8q11.21.
Variant type: single nucleotide variant.
Coding change: c.1754T>G on transcript NM_006904.7 (MANE Select); coding-DNA position 1754, T replaced by G.
Protein change: p.Ile585Arg; replaces isoleucine 585 with arginine.
Molecular consequence: missense variant.
Genome position (GRCh38, 1-based): chr8:47,933,042, A>C on the plus strand (T>G on the coding strand, the complement: PRKDC is on the minus strand). VCF-style: chr8-47933042-A-C. GRCh37 (hg19) VCF-style: chr8-48845602-A-C.
Other names: c.1754T>G, p.Ile585Arg (NM_001081640.2); short protein forms I585R.
Identifiers: ClinVar variation 2449882 (VCV002449882.2), dbSNP rs2551879015, ClinGen allele CA371164934.

ClinVar aggregate classification (germline): Uncertain significance (1 of 4 stars; one submission).

Allele frequency attached by ClinVar (database versions not stated): gnomAD exomes below 0.00001.
gnomAD v4.1: 1 of 1,597,912 alleles (0.000063%); highest among the groups gnomAD compares: Non-Finnish European, 0.000085%; no homozygotes.

Submission:

Ambry Genetics
Classification: Uncertain significance. Last evaluated: 2023-02-12. Review status: criteria provided, single submitter. Criteria: Ambry Variant Classification Scheme 2023. Collection method: clinical testing. Allele origin: germline.
Comment: The p.I585R variant (also known as c.1754T>G), located in coding exon 16 of the PRKDC gene, results from a T to G substitution at nucleotide position 1754. The isoleucine at codon 585 is replaced by arginine, an amino acid with similar properties. This amino acid position is conserved. In addition, this alteration is predicted to be tolerated by in silico analysis. Since supporting evidence is limited at this time, the clinical significance of this alteration remains unclear.